The following is an entry in ClinVar:

ClinVar aggregate classification (germline): Uncertain significance. Review status: criteria provided, multiple submitters, no conflicts (2 of 4 stars). 2 submissions from 2 submitters: Uncertain significance (2). Last evaluated 2025-10-02.

Conditions:
Urocanate hydratase deficiency (UROCD). Also called: UROCANASE DEFICIENCY; Urocanic aciduria. Identifiers: Orphanet 210128, MedGen C0268514, MONDO:0010167, OMIM 276880, HP:0012237.

Allele frequency attached by ClinVar (database versions not stated): TOPMed 0.00003; ExAC 0.00001.
gnomAD v4.1: 13 of 1,613,404 alleles (0.00081%); highest among the groups gnomAD compares: Admixed American, 0.005%; no homozygotes.

Submissions (2):

Ambry Genetics
Classification: Uncertain significance. Last evaluated: 2025-10-02. Review status: criteria provided, single submitter. Criteria: Ambry Variant Classification Scheme 2023. Collection method: clinical testing. Allele origin: germline.

Baylor Genetics
Classification: Uncertain significance for Urocanate hydratase deficiency. Last evaluated: 2018-03-21. Review status: criteria provided, single submitter. Criteria: ACMG Guidelines, 2015. Collection method: clinical testing. Allele origin: paternal. Affected: yes.
Comment: This variant was determined to be of uncertain significance according to ACMG Guidelines, 2015 [PMID:25741868].

NM_144639.3(UROC1):c.640G>A (p.Gly214Ser)

Gene: UROC1 (urocanate hydratase 1; minus strand). Cytogenetic location: 3q21.3.
Variant type: single nucleotide variant.
Coding change: c.640G>A on transcript NM_144639.3 (MANE Select); coding-DNA position 640, G replaced by A.
Protein change: p.Gly214Ser; replaces glycine 214 with serine.
Molecular consequence: missense variant.
Genome position (GRCh38, 1-based): chr3:126,505,974, C>T on the plus strand (G>A on the coding strand, the complement: UROC1 is on the minus strand). VCF-style: chr3-126505974-C-T. GRCh37 (hg19) VCF-style: chr3-126224817-C-T.
Other names: c.640G>A, p.Gly214Ser (NM_001165974.2); short protein forms G214S.
Identifiers: ClinVar variation 1032449 (VCV001032449.2), dbSNP rs751617501, ClinGen allele CA2591454.
Genomic context (GRCh38, chr3:126,505,974, plus strand): 5'-GCCCACAGCCAGGCGTGGCCCCATCTCTCACCACAGTGCCATGAACGATTCCCTGGGGAC[C>T]GATGTAGCAGTAGCTACCTGCTGTCATCTGGCCGTACCTGACCACAGGGAGAGAAGCCAA-3'
Protein context (NP_653240.1, residues 204-224): QMTAGSYCYI[Gly214Ser]PQGIVHGTVL